The following is an entry in ClinVar:

ClinVar aggregate classification (germline): Uncertain significance. Review status: criteria provided, multiple submitters, no conflicts (2 of 4 stars). 2 submissions from 2 submitters: Uncertain significance (2). Last evaluated 2025-04-09.

Conditions:
Inborn genetic diseases. Identifiers: MedGen C0950123, MeSH D030342.
Hereditary spastic paraplegia 39 (SPG39). Also called: Spastic Paraplegia Type 39 (SPG39); SPASTIC PARAPLEGIA 39, AUTOSOMAL RECESSIVE. Identifiers: Orphanet 139480, MedGen C2677586, MONDO:0012787, OMIM 612020.

Allele frequency attached by ClinVar (database versions not stated): gnomAD exomes 0.00001; TOPMed 0.00001; ExAC 0.00003.
gnomAD v4.1: 7 of 1,573,902 alleles (0.00044%); highest among the groups gnomAD compares: Non-Finnish European, 0.0006%; no homozygotes.

Submissions (2):

Ambry Genetics
Classification: Uncertain significance for Inborn genetic diseases. Last evaluated: 2025-04-09. Review status: criteria provided, single submitter. Criteria: Ambry Variant Classification Scheme 2023. Collection method: clinical testing. Allele origin: germline.

Labcorp Genetics (formerly Invitae), Labcorp
Classification: Uncertain significance for Hereditary spastic paraplegia 39. Last evaluated: 2022-06-24. Review status: criteria provided, single submitter. Criteria: Invitae Variant Classification Sherloc (09022015). Collection method: clinical testing. Allele origin: germline.
Comment: In summary, the available evidence is currently insufficient to determine the role of this variant in disease. Therefore, it has been classified as a Variant of Uncertain Significance. Algorithms developed to predict the effect of missense changes on protein structure and function output the following: SIFT: "Tolerated"; PolyPhen-2: "Benign"; Align-GVGD: "Class C0". The leucine amino acid residue is found in multiple mammalian species, which suggests that this missense change does not adversely affect protein function. This variant has not been reported in the literature in individuals affected with PNPLA6-related conditions. The frequency data for this variant in the population databases is considered unreliable, as metrics indicate poor data quality at this position in the gnomAD database. This sequence change replaces proline, which is neutral and non-polar, with leucine, which is neutral and non-polar, at codon 345 of the PNPLA6 protein (p.Pro345Leu).

NM_001166114.2(PNPLA6):c.1151C>T (p.Pro384Leu)

Gene: PNPLA6 (patatin like domain 6, lysophospholipase; plus strand). Cytogenetic location: 19p13.2.
Variant type: single nucleotide variant.
Coding change: c.1151C>T on transcript NM_001166114.2 (MANE Select); coding-DNA position 1151, C replaced by T.
Protein change: p.Pro384Leu; replaces proline 384 with leucine.
Molecular consequence: missense variant.
Genome position (GRCh38, 1-based): chr19:7,541,667, C>T. VCF-style: chr19-7541667-C-T. GRCh37 (hg19) VCF-style: chr19-7606553-C-T.
Other names: c.1034C>T (NM_006702.4); c.1178C>T, p.Pro393Leu (NM_001166111.2); c.1034C>T, p.Pro345Leu (NM_001166112.2, NM_001166113.1, NM_006702.5); short protein forms P393L, P384L, P345L.
Identifiers: ClinVar variation 2142365 (VCV002142365.5), dbSNP rs759886083, ClinGen allele CA9139684.